The following is an entry in ClinVar:

NC_000005.9:g.(?_90046348)_(90049666_?)del

Gene: ADGRV1 (adhesion G protein-coupled receptor V1; plus strand). Cytogenetic location: 5q14.3.
Variant type: Deletion.
Identifiers: ClinVar variation 2427015 (VCV002427015.4).

ClinVar aggregate classification (germline): Pathogenic (1 of 4 stars; one submission).

Submission:

Labcorp Genetics (formerly Invitae), Labcorp
Classification: Pathogenic. Last evaluated: 2023-04-09. Review status: criteria provided, single submitter. Criteria: Invitae Variant Classification Sherloc (09022015). Collection method: clinical testing. Allele origin: germline.
Comment: For these reasons, this variant has been classified as Pathogenic. This variant has not been reported in the literature in individuals affected with ADGRV1-related conditions. This variant is a gross deletion of the genomic region encompassing exon(s) 53-54 of the ADGRV1 gene. This deletion is out-of-frame, and is expected to create a premature termination codon and result in an absent or disrupted protein product. Loss-of-function variants in ADGRV1 are known to be pathogenic (PMID: 19357117, 22135276, 22147658, 26226137, 30718709, 31047384, 32467589).

Literature cited by the submitters: PubMed 19357117; PubMed 22135276; PubMed 22147658; PubMed 26226137; PubMed 30718709; PubMed 31047384; PubMed 32467589.